The following is an entry in ClinVar:

ClinVar aggregate classification (germline): Uncertain significance (1 of 4 stars; one submission).

Conditions:
CHD7-related disorder. Also called: CHD7-related condition.

Submission:

PreventionGenetics, part of Exact Sciences
Classification: Uncertain significance for CHD7-related condition. Last evaluated: 2025-11-26. Review status: criteria provided, single submitter. Criteria: ACMG Guidelines, 2015. Collection method: clinical testing. Allele origin: germline.
Comment: The CHD7 c.3133G>T variant is predicted to result in the amino acid substitution p.Val1045Leu. To our knowledge, this variant has not been reported in the literature or in a large population database (gnomAD), indicating this variant is rare. At this time, the clinical significance of this variant is uncertain due to the absence of conclusive functional and genetic evidence.

NM_017780.4(CHD7):c.3133G>T (p.Val1045Leu)

Gene: CHD7 (chromodomain helicase DNA binding protein 7; plus strand). Cytogenetic location: 8q12.2.
Variant type: single nucleotide variant.
Coding change: c.3133G>T on transcript NM_017780.4 (MANE Select); coding-DNA position 3133, G replaced by T.
Protein change: p.Val1045Leu; replaces valine 1045 with leucine.
Molecular consequence: missense variant. On other transcripts: intron variant (1).
Genome position (GRCh38, 1-based): chr8:60,822,678, G>T. VCF-style: chr8-60822678-G-T. GRCh37 (hg19) VCF-style: chr8-61735237-G-T.
Other names: c.1717-39551G>T (NM_001316690.1); short protein forms V1045L.
Identifiers: ClinVar variation 4994078 (VCV004994078.1).